The following is an entry in ClinVar:

ClinVar aggregate classification (germline): Uncertain significance. Review status: criteria provided, multiple submitters, no conflicts (2 of 4 stars). 2 submissions from 2 submitters: Uncertain significance (2). Last evaluated 2025-08-29.

Conditions:
Inborn genetic diseases. Identifiers: MedGen C0950123, MeSH D030342.
Autosomal recessive distal spinal muscular atrophy 2. Also called: NEURONOPATHY, DISTAL HEREDITARY MOTOR, JERASH TYPE; NEUROPATHY, DISTAL HEREDITARY MOTOR, JERASH TYPE; SPINAL MUSCULAR ATROPHY, JERASH TYPE; NEUROPATHY, DISTAL HEREDITARY MOTOR, AUTOSOMAL RECESSIVE 2; Hereditary motor neuropathy, Jerash type; Motor neuropathy, distal, Jerash type. Identifiers: Orphanet 139552, MedGen C1854023, MONDO:0011585, OMIM 605726.
Amyotrophic lateral sclerosis type 16. Also called: AMYOTROPHIC LATERAL SCLEROSIS 16, JUVENILE. Identifiers: Orphanet 300605, MedGen C3280587, MONDO:0013715, OMIM 614373.

Allele frequency attached by ClinVar (database versions not stated): gnomAD exomes 0.00001 and 0.00004; TOPMed 0.00003; gnomAD 0.00003 and 0.00004; ESP Exome Variant Server 0.00015; ExAC 0.00001.
gnomAD v4.1: 65 of 1,614,160 alleles (0.004%); highest among the groups gnomAD compares: Non-Finnish European, 0.0049%; no homozygotes.

Submissions (2):

Ambry Genetics
Classification: Uncertain significance for Inborn genetic diseases. Last evaluated: 2025-08-29. Review status: criteria provided, single submitter. Criteria: Ambry Variant Classification Scheme 2023. Collection method: clinical testing. Allele origin: germline.

Labcorp Genetics (formerly Invitae), Labcorp
Classification: Uncertain significance for Autosomal recessive distal spinal muscular atrophy 2; Amyotrophic lateral sclerosis type 16. Last evaluated: 2021-09-02. Review status: criteria provided, single submitter. Criteria: Invitae Variant Classification Sherloc (09022015). Collection method: clinical testing. Allele origin: germline.
Comment: This sequence change replaces leucine with phenylalanine at codon 199 of the SIGMAR1 protein (p.Leu199Phe). The leucine residue is highly conserved and there is a small physicochemical difference between leucine and phenylalanine. This variant is present in population databases (rs146118253, ExAC 0.002%). This variant has not been reported in the literature in individuals affected with SIGMAR1-related conditions. Algorithms developed to predict the effect of missense changes on protein structure and function output the following: SIFT: "Tolerated"; PolyPhen-2: "Benign"; Align-GVGD: "Class C0". The phenylalanine amino acid residue is found in multiple mammalian species, which suggests that this missense change does not adversely affect protein function. In summary, the available evidence is currently insufficient to determine the role of this variant in disease. Therefore, it has been classified as a Variant of Uncertain Significance.

NM_005866.4(SIGMAR1):c.595C>T (p.Leu199Phe)

Gene: SIGMAR1 (sigma receptor chaperone 1; minus strand). Cytogenetic location: 9p13.3.
Variant type: single nucleotide variant.
Coding change: c.595C>T on transcript NM_005866.4 (MANE Select); coding-DNA position 595, C replaced by T.
Protein change: p.Leu199Phe; replaces leucine 199 with phenylalanine.
Molecular consequence: missense variant. On other transcripts: 3 prime UTR variant (2), non-coding transcript variant (1), intron variant (1).
Genome position (GRCh38, 1-based): chr9:34,635,709, G>A on the plus strand (C>T on the coding strand, the complement: SIGMAR1 is on the minus strand). VCF-style: chr9-34635709-G-A. GRCh37 (hg19) VCF-style: chr9-34635706-G-A.
Other names: c.295C>T, p.Leu99Phe (NM_001282206.2); c.535C>T, p.Leu179Phe (NM_001282207.2); c.*138C>T (NM_001282208.2); c.*122C>T (NM_001282209.2); c.502C>T, p.Leu168Phe (NM_147157.3); c.446-69C>T (NM_001282205.2); short protein forms L99F, L168F, L179F, L199F.
Identifiers: ClinVar variation 655091 (VCV000655091.9), dbSNP rs146118253, ClinGen allele CA5035828.